The following is an entry in ClinVar:

NM_000399.5(EGR2):c.851G>A (p.Gly284Glu)

Gene: EGR2 (early growth response 2; minus strand). Cytogenetic location: 10q21.3.
Variant type: single nucleotide variant.
Coding change: c.851G>A on transcript NM_000399.5 (MANE Select); coding-DNA position 851, G replaced by A.
Protein change: p.Gly284Glu; replaces glycine 284 with glutamic acid.
Molecular consequence: missense variant.
Genome position (GRCh38, 1-based): chr10:62,813,787, C>T on the plus strand (G>A on the coding strand, the complement: EGR2 is on the minus strand). VCF-style: chr10-62813787-C-T. GRCh37 (hg19) VCF-style: chr10-64573547-C-T.
Other names: c.851G>A (NM_000399.4); c.851G>A, p.Gly284Glu (NM_001136177.3, NM_001136178.2); c.701G>A, p.Gly234Glu (NM_001136179.3, NM_001321037.2); c.890G>A, p.Gly297Glu (NM_001410931.1); short protein forms G234E, G284E, G297E.
Identifiers: ClinVar variation 3342421 (VCV003342421.2).

ClinVar aggregate classification (germline): Uncertain significance. Review status: criteria provided, multiple submitters, no conflicts (2 of 4 stars). 2 submissions from 2 submitters: Uncertain significance (2). Last evaluated 2025-10-29.

Submissions (2):

Athena Diagnostics
Classification: Uncertain significance. Last evaluated: 2025-10-29. Review status: criteria provided, single submitter. Criteria: Athena Diagnostics Criteria. Collection method: clinical testing. Allele origin: unknown.
Comment: Available data are insufficient to determine the clinical significance of the variant at this time. This variant has not been reported in large, multi-ethnic general populations. Polyphen and MutationTaster predict this amino acid change may be benign.

GeneDx
Classification: Uncertain significance. Last evaluated: 2023-09-08. Review status: criteria provided, single submitter. Criteria: GeneDx Variant Classification Process June 2021. Collection method: clinical testing. Allele origin: germline. Affected: yes.
Comment: Not observed at significant frequency in large population cohorts (gnomAD); In silico analysis supports that this missense variant does not alter protein structure/function; Has not been previously published as pathogenic or benign to our knowledge